The following is an entry in ClinVar:

ClinVar aggregate classification (germline): Uncertain significance (1 of 4 stars; one submission).

Conditions:
Familial adenomatous polyposis 1 (FAP1). Also called: FAMILIAL ADENOMATOUS POLYPOSIS 1, ATTENUATED; POLYPOSIS, ADENOMATOUS INTESTINAL. Identifiers: MedGen C2713442, MONDO:0021056, OMIM 175100. Disease mechanism: loss of function.

Submission:

Labcorp Genetics (formerly Invitae), Labcorp
Classification: Uncertain significance for Familial adenomatous polyposis 1. Last evaluated: 2025-01-23. Review status: criteria provided, single submitter. Criteria: Invitae Variant Classification Sherloc (09022015). Collection method: clinical testing. Allele origin: germline.
Comment: This sequence change replaces glutamic acid, which is acidic and polar, with lysine, which is basic and polar, at codon 2395 of the APC protein (p.Glu2395Lys). This variant is not present in population databases (gnomAD no frequency). This variant has not been reported in the literature in individuals affected with APC-related conditions. ClinVar contains an entry for this variant (Variation ID: 1393323). Invitae Evidence Modeling of protein sequence and biophysical properties (such as structural, functional, and spatial information, amino acid conservation, physicochemical variation, residue mobility, and thermodynamic stability) indicates that this missense variant is not expected to disrupt APC protein function with a negative predictive value of 95%. In summary, the available evidence is currently insufficient to determine the role of this variant in disease. Therefore, it has been classified as a Variant of Uncertain Significance.

NM_000038.6(APC):c.7183G>A (p.Glu2395Lys)

Gene: APC (APC regulator of Wnt signaling pathway; plus strand). Cytogenetic location: 5q22.2.
Variant type: single nucleotide variant.
Coding change: c.7183G>A on transcript NM_000038.6 (MANE Select); coding-DNA position 7183, G replaced by A.
Protein change: p.Glu2395Lys; replaces glutamic acid 2395 with lysine.
Molecular consequence: missense variant.
Genome position (GRCh38, 1-based): chr5:112,842,777, G>A. VCF-style: chr5-112842777-G-A. GRCh37 (hg19) VCF-style: chr5-112178474-G-A.
Other names: c.7183G>A, p.Glu2395Lys (NM_001127510.3, NM_001354895.2); c.7129G>A, p.Glu2377Lys (NM_001127511.3); c.7237G>A, p.Glu2413Lys (NM_001354896.2); c.7213G>A, p.Glu2405Lys (NM_001354897.2); c.7108G>A, p.Glu2370Lys (NM_001354898.2); c.7099G>A, p.Glu2367Lys (NM_001354899.2); c.7060G>A, p.Glu2354Lys (NM_001354900.2); c.7006G>A, p.Glu2336Lys (NM_001354901.2); and 5 more; short protein forms E2304K, E2395K, E2112K, E2294K, E2377K, E2405K, E2336K, E2367K.
Identifiers: ClinVar variation 1393323 (VCV001393323.8), dbSNP rs2149981686, ClinGen allele CA16036974.